The following is an entry in ClinVar:

NM_002602.4(PDE6G):c.97C>G (p.Arg33Gly)

Gene: PDE6G (phosphodiesterase 6G; minus strand). Cytogenetic location: 17q25.3.
Variant type: single nucleotide variant.
Coding change: c.97C>G on transcript NM_002602.4 (MANE Select); coding-DNA position 97, C replaced by G.
Protein change: p.Arg33Gly; replaces arginine 33 with glycine.
Molecular consequence: missense variant.
Genome position (GRCh38, 1-based): chr17:81,653,209, G>C on the plus strand (C>G on the coding strand, the complement: PDE6G is on the minus strand). VCF-style: chr17-81653209-G-C. GRCh37 (hg19) VCF-style: chr17-79620239-G-C.
Other names: c.97C>G, p.Arg33Gly (NM_001365724.1, NM_001365725.1); short protein forms R33G.
Identifiers: ClinVar variation 1714756 (VCV001714756.5), dbSNP rs754454113, ClinGen allele CA401474449.
Genomic context (GRCh38, chr17:81,653,209, plus strand): 5'-GCTCTGCTTACCCTTGAACGCCTTTCTTTGGGGGCTTGCTCTTGAACTGCCTGGTCTGTC[G>C]CTGCTTAAATTTAGGGGGCCCTTTCCTGGGGGTGACAGGTCCCCCGGCCACCCTGGTGGC-3'
Protein context (NP_002593.1, residues 23-43): PRKGPPKFKQ[Arg33Gly]QTRQFKSKPP

ClinVar aggregate classification (germline): Uncertain significance (1 of 4 stars; one submission).

gnomAD v4.1: 3 of 1,614,068 alleles (0.00019%); highest among the groups gnomAD compares: African/African-American, 0.0013%; no homozygotes.

Submission:

Labcorp Genetics (formerly Invitae), Labcorp
Classification: Uncertain significance. Last evaluated: 2022-08-01. Review status: criteria provided, single submitter. Criteria: Invitae Variant Classification Sherloc (09022015). Collection method: clinical testing. Allele origin: germline.
Comment: In summary, the available evidence is currently insufficient to determine the role of this variant in disease. Therefore, it has been classified as a Variant of Uncertain Significance. Algorithms developed to predict the effect of missense changes on protein structure and function (SIFT, PolyPhen-2, Align-GVGD) all suggest that this variant is likely to be disruptive. This variant has not been reported in the literature in individuals affected with PDE6G-related conditions. This variant is present in population databases (no rsID available, gnomAD 0.007%). This sequence change replaces arginine, which is basic and polar, with glycine, which is neutral and non-polar, at codon 33 of the PDE6G protein (p.Arg33Gly).